The following is an entry in ClinVar:

ClinVar aggregate classification (germline): Uncertain significance (1 of 4 stars; one submission).

Conditions:
Dyskeratosis congenita, autosomal dominant 2. Identifiers: MedGen C3151443, MONDO:0013521, OMIM 613989.
Idiopathic Pulmonary Fibrosis. Also called: Idiopathic fibrosing alveolitis, chronic form; idiopathic fibrosing alveolitis. Identifiers: Orphanet 2032, MedGen C1800706, MeSH D054990, MONDO:0800504.

Submission:

Labcorp Genetics (formerly Invitae), Labcorp
Classification: Uncertain significance for Dyskeratosis congenita, autosomal dominant 2; Idiopathic Pulmonary Fibrosis. Last evaluated: 2023-06-27. Review status: criteria provided, single submitter. Criteria: Invitae Variant Classification Sherloc (09022015). Collection method: clinical testing. Allele origin: germline.
Comment: In summary, the available evidence is currently insufficient to determine the role of this variant in disease. Therefore, it has been classified as a Variant of Uncertain Significance. Advanced modeling of protein sequence and biophysical properties (such as structural, functional, and spatial information, amino acid conservation, physicochemical variation, residue mobility, and thermodynamic stability) performed at Invitae indicates that this missense variant is not expected to disrupt TERT protein function. This variant has not been reported in the literature in individuals affected with TERT-related conditions. This variant is not present in population databases (gnomAD no frequency). This sequence change replaces aspartic acid, which is acidic and polar, with glutamic acid, which is acidic and polar, at codon 911 of the TERT protein (p.Asp911Glu).

NM_198253.3(TERT):c.2733C>G (p.Asp911Glu)

Gene: TERT (telomerase reverse transcriptase; minus strand). Cytogenetic location: 5p15.33.
Variant type: single nucleotide variant.
Coding change: c.2733C>G on transcript NM_198253.3 (MANE Select); coding-DNA position 2733, C replaced by G.
Protein change: p.Asp911Glu; replaces aspartic acid 911 with glutamic acid.
Molecular consequence: missense variant. On other transcripts: intron variant (1).
Genome position (GRCh38, 1-based): chr5:1,264,514, G>C on the plus strand (C>G on the coding strand, the complement: TERT is on the minus strand). VCF-style: chr5-1264514-G-C. GRCh37 (hg19) VCF-style: chr5-1264629-G-C.
Other names: c.2733C>G, p.Asp911Glu (NM_003219.1); c.2654+1950C>G (NM_001193376.3); short protein forms D911E.
Identifiers: ClinVar variation 2935030 (VCV002935030.3), dbSNP rs768646695, ClinGen allele CA359071962.